The following is an entry in ClinVar:

NM_002691.4(POLD1):c.1226G>T (p.Arg409Leu)

Gene: POLD1 (DNA polymerase delta 1, catalytic subunit; plus strand). Cytogenetic location: 19q13.33.
Variant type: single nucleotide variant.
Coding change: c.1226G>T on transcript NM_002691.4 (MANE Select); coding-DNA position 1226, G replaced by T.
Protein change: p.Arg409Leu; replaces arginine 409 with leucine.
Molecular consequence: missense variant. On other transcripts: non-coding transcript variant (1).
Genome position (GRCh38, 1-based): chr19:50,403,581, G>T. VCF-style: chr19-50403581-G-T. GRCh37 (hg19) VCF-style: chr19-50906838-G-T.
Other names: c.1226G>T, p.Arg409Leu (NM_001256849.1, NM_001308632.1); short protein forms R409L.
Identifiers: ClinVar variation 1754352 (VCV001754352.3), dbSNP rs749611798, ClinGen allele CA406978619.

ClinVar aggregate classification (germline): Uncertain significance (1 of 4 stars; one submission).

Conditions:
Hereditary cancer-predisposing syndrome. Also called: Neoplastic Syndromes, Hereditary; Tumor predisposition; Hereditary Cancer Syndrome; Hereditary neoplastic syndrome. Identifiers: Orphanet 140162, MedGen C0027672, MeSH D009386, MONDO:0015356.

Submission:

Ambry Genetics
Classification: Uncertain significance for Hereditary cancer-predisposing syndrome. Last evaluated: 2025-04-25. Review status: criteria provided, single submitter. Criteria: Ambry Variant Classification Scheme 2023. Collection method: clinical testing. Allele origin: germline.
Comment: The p.R409L variant (also known as c.1226G>T), located in coding exon 9 of the POLD1 gene, results from a G to T substitution at nucleotide position 1226. The arginine at codon 409 is replaced by leucine, an amino acid with dissimilar properties. This amino acid position is highly conserved in available vertebrate species. In addition, this alteration is predicted to be deleterious by in silico analysis. Since supporting evidence is limited at this time, the clinical significance of this alteration remains unclear.